The following is an entry in ClinVar:

ClinVar aggregate classification (germline): Uncertain significance. Review status: criteria provided, multiple submitters, no conflicts (2 of 4 stars). 2 submissions from 2 submitters: Uncertain significance (2). Last evaluated 2025-03-28.

Conditions:
Immunodeficiency 23 (IMD23). Also called: IMMUNODEFICIENCY WITH HYPER IgE AND COGNITIVE IMPAIRMENT; IMMUNODEFICIENCY-VASCULITIS-MYOCLONUS SYNDROME. Identifiers: Orphanet 443811, MedGen C4014371, MONDO:0014353, OMIM 615816.
Inborn genetic diseases. Identifiers: MedGen C0950123, MeSH D030342.

Allele frequency attached by ClinVar (database versions not stated): gnomAD exomes 0.00001; gnomAD 0.00002 and 0.00003; ESP Exome Variant Server 0.00008; TOPMed 0.00005.
gnomAD v4.1: 8 of 1,613,684 alleles (0.0005%); highest among the groups gnomAD compares: Admixed American, 0.005%; no homozygotes.

Submissions (2):

Ambry Genetics
Classification: Uncertain significance for Inborn genetic diseases. Last evaluated: 2025-03-28. Review status: criteria provided, single submitter. Criteria: Ambry Variant Classification Scheme 2023. Collection method: clinical testing. Allele origin: germline.

Labcorp Genetics (formerly Invitae), Labcorp
Classification: Uncertain significance for Immunodeficiency 23. Last evaluated: 2022-04-12. Review status: criteria provided, single submitter. Criteria: Invitae Variant Classification Sherloc (09022015). Collection method: clinical testing. Allele origin: germline.
Comment: This sequence change replaces arginine, which is basic and polar, with glycine, which is neutral and non-polar, at codon 197 of the PGM3 protein (p.Arg197Gly). This variant is present in population databases (rs142161221, gnomAD 0.0009%). This variant has not been reported in the literature in individuals affected with PGM3-related conditions. Algorithms developed to predict the effect of missense changes on protein structure and function (SIFT, PolyPhen-2, Align-GVGD) all suggest that this variant is likely to be tolerated. In summary, the available evidence is currently insufficient to determine the role of this variant in disease. Therefore, it has been classified as a Variant of Uncertain Significance.

NM_015599.3(PGM3):c.505C>G (p.Arg169Gly)

Gene: PGM3 (phosphoglucomutase 3; minus strand). Cytogenetic location: 6q14.1.
Variant type: single nucleotide variant.
Coding change: c.505C>G on transcript NM_015599.3 (MANE Select); coding-DNA position 505, C replaced by G.
Protein change: p.Arg169Gly; replaces arginine 169 with glycine.
Molecular consequence: missense variant. On other transcripts: non-coding transcript variant (1).
Genome position (GRCh38, 1-based): chr6:83,182,931, G>C on the plus strand (C>G on the coding strand, the complement: PGM3 is on the minus strand). VCF-style: chr6-83182931-G-C. GRCh37 (hg19) VCF-style: chr6-83892650-G-C.
Other names: c.589C>G, p.Arg197Gly (NM_001199917.2, NM_001367287.1); c.262C>G, p.Arg88Gly (NM_001199918.2); c.505C>G, p.Arg169Gly (NM_001199919.2, NM_001367286.1); c.589C>G (NM_001199917.1); short protein forms R88G, R169G, R197G.
Identifiers: ClinVar variation 1434862 (VCV001434862.4), dbSNP rs142161221, ClinGen allele CA3906739.
Genomic context (GRCh38, chr6:83,182,931, plus strand): 5'-TAGAGAGTTTCTGGTAGTAACCTTCTATAGTTGCCTTTCCATATCGGCCACCCGTGTTTC[G>C]ACAATACACCATGTAGTGCAGCTGGGGTGTTGTTAACAAGCCATAATCTGTCATAGAAAT-3'
Protein context (NP_056414.1, residues 159-179): TPQLHYMVYC[Arg169Gly]NTGGRYGKAT